The following is an entry in ClinVar:

ClinVar aggregate classification (germline): Uncertain significance (1 of 4 stars; one submission).

Conditions:
Hereditary cancer-predisposing syndrome. Also called: Neoplastic Syndromes, Hereditary; Tumor predisposition; Hereditary neoplastic syndrome; Hereditary Cancer Syndrome. Identifiers: Orphanet 140162, MedGen C0027672, MeSH D009386, MONDO:0015356.

Submission:

Ambry Genetics
Classification: Uncertain significance for Hereditary cancer-predisposing syndrome. Last evaluated: 2026-07-07. Review status: criteria provided, single submitter. Criteria: Ambry Variant Classification Scheme 2023. Collection method: clinical testing. Allele origin: germline.
Comment: The p.C163Y variant (also known as c.488G>A), located in coding exon 5 of the BMPR1A gene, results from a G to A substitution at nucleotide position 488. The cysteine at codon 163 is replaced by tyrosine, an amino acid with highly dissimilar properties. This amino acid position is conserved. In addition, this alteration is predicted to be deleterious by in silico analysis. Based on the available evidence, the clinical significance of this variant remains unclear.

NM_004329.3(BMPR1A):c.488G>A (p.Cys163Tyr)

Gene: BMPR1A (bone morphogenetic protein receptor type 1A; plus strand). Cytogenetic location: 10q23.2.
Variant type: single nucleotide variant.
Coding change: c.488G>A on transcript NM_004329.3 (MANE Select); coding-DNA position 488, G replaced by A.
Protein change: p.Cys163Tyr; replaces cysteine 163 with tyrosine.
Molecular consequence: missense variant. On other transcripts: non-coding transcript variant (3), intron variant (1).
Genome position (GRCh38, 1-based): chr10:86,900,084, G>A. VCF-style: chr10-86900084-G-A. GRCh37 (hg19) VCF-style: chr10-88659841-G-A.
Other names: c.488G>A, p.Cys163Tyr (NM_001406583.1, NM_001406567.1, NM_001406568.1 and 22 more transcripts); c.404G>A, p.Cys135Tyr (NM_001406584.1, NM_001406585.1, NM_001406586.1 and 2 more transcripts); c.333+7855G>A (NM_001406589.1); short protein forms C135Y, C163Y.
Identifiers: ClinVar variation 5033027 (VCV005033027.1).